The following is an entry in ClinVar:

NM_003185.4(TAF4):c.260_261del (p.Pro87fs)

Gene: TAF4 (TATA-box binding protein associated factor 4; minus strand). Cytogenetic location: 20q13.33.
Variant type: Deletion.
Coding change: c.260_261del on transcript NM_003185.4 (MANE Select); coding-DNA positions 260 to 261, 2 bases deleted (CG; older notation c.260_261delCG).
Protein change: p.Pro87fs; shifts the reading frame from proline 87.
Molecular consequence: frameshift variant.
Genome position (GRCh38, 1-based): chr20:62,065,550-62,065,551, CG deleted on the plus strand (CG on the coding strand, the reverse complement: TAF4 is on the minus strand). VCF-style (leftmost placement, unchanged base first): chr20-62065549-CCG-C. GRCh37 (hg19) VCF-style: chr20-60640605-CCG-C.
Other names: short protein forms P87fs.
Identifiers: ClinVar variation 4880722 (VCV004880722.2).

ClinVar aggregate classification (germline): Likely pathogenic (1 of 4 stars; one submission).

Submission:

Dasa
Classification: Likely pathogenic. Last evaluated: 2026-01-22. Review status: criteria provided, single submitter. Criteria: DASA Assertion Criteria. Collection method: clinical testing. Allele origin: germline.
Comment: NM_003185.4(TAF4):c.260_261del (p.Pro87Argfs*7) is a frameshift variant in TAF4 predicted to alter the reading frame and introduce a premature termination codon and is predicted to result in an absent or altered protein product. Loss of function is an established disease mechanism for TAF4-associated disorders. Also, this variant is rare in population databases. Based on the currently available evidence, this variant is classified as likely pathogenic.